The following is an entry in ClinVar:

NM_015570.4(AUTS2):c.2321T>C (p.Met774Thr)

Gene: AUTS2 (activator of transcription and developmental regulator AUTS2; plus strand). Cytogenetic location: 7q11.22.
Variant type: single nucleotide variant.
Coding change: c.2321T>C on transcript NM_015570.4 (MANE Select); coding-DNA position 2321, T replaced by C.
Protein change: p.Met774Thr; replaces methionine 774 with threonine.
Molecular consequence: missense variant.
Genome position (GRCh38, 1-based): chr7:70,787,221, T>C. VCF-style: chr7-70787221-T-C. GRCh37 (hg19) VCF-style: chr7-70252207-T-C.
Other names: c.2249T>C, p.Met750Thr (NM_001127231.3); short protein forms M750T, M774T.
Identifiers: ClinVar variation 3253057 (VCV003253057.1), dbSNP rs1226690190.

ClinVar aggregate classification (germline): Uncertain significance (1 of 4 stars; one submission).

Allele frequency attached by ClinVar (database versions not stated): TOPMed below 0.00001.

Submission:

GeneDx
Classification: Uncertain significance. Last evaluated: 2024-02-13. Review status: criteria provided, single submitter. Criteria: GeneDx Variant Classification Process June 2021. Collection method: clinical testing. Allele origin: germline. Affected: yes.
Comment: Not observed at significant frequency in large population cohorts (gnomAD); In silico analysis supports that this missense variant has a deleterious effect on protein structure/function; Has not been previously published as pathogenic or benign to our knowledge